The following is an entry in ClinVar:

NM_002471.4(MYH6):c.50G>C (p.Arg17Pro)

Genes: MYH6 (myosin heavy chain 6; minus strand), LOC114827851 (VISTA enhancer hs2155; plus strand). Cytogenetic location: 14q11.2.
Variant type: single nucleotide variant.
Coding change: c.50G>C on transcript NM_002471.4 (MANE Select); coding-DNA position 50, G replaced by C.
Protein change: p.Arg17Pro; replaces arginine 17 with proline.
Molecular consequence: missense variant.
Genome position (GRCh38, 1-based): chr14:23,407,174, C>G on the plus strand (G>C on the coding strand, the complement: MYH6 is on the minus strand). VCF-style: chr14-23407174-C-G. GRCh37 (hg19) VCF-style: chr14-23876383-C-G.
Other names: short protein forms R17P.
Identifiers: ClinVar variation 3705485 (VCV003705485.2).

ClinVar aggregate classification (germline): Uncertain significance (1 of 4 stars; one submission).

Conditions:
Hypertrophic cardiomyopathy 14. Identifiers: MedGen C2750467, MONDO:0013197, OMIM 613251.

gnomAD v4.1: 2 of 1,614,248 alleles (0.00012%); highest among the groups gnomAD compares: Non-Finnish European, 0.000085%; no homozygotes.

Submission:

Labcorp Genetics (formerly Invitae), Labcorp
Classification: Uncertain significance for Hypertrophic cardiomyopathy 14. Last evaluated: 2024-07-12. Review status: criteria provided, single submitter. Criteria: Invitae Variant Classification Sherloc (09022015). Collection method: clinical testing. Allele origin: germline.
Comment: This sequence change replaces arginine, which is basic and polar, with proline, which is neutral and non-polar, at codon 17 of the MYH6 protein (p.Arg17Pro). This variant is not present in population databases (gnomAD no frequency). This variant has not been reported in the literature in individuals affected with MYH6-related conditions. Advanced modeling of protein sequence and biophysical properties (such as structural, functional, and spatial information, amino acid conservation, physicochemical variation, residue mobility, and thermodynamic stability) has been performed at Invitae for this missense variant, however the output from this modeling did not meet the statistical confidence thresholds required to predict the impact of this variant on MYH6 protein function. In summary, the available evidence is currently insufficient to determine the role of this variant in disease. Therefore, it has been classified as a Variant of Uncertain Significance.